The following is an entry in ClinVar:

NM_032119.4(ADGRV1):c.3954dup (p.Arg1319fs)

Gene: ADGRV1 (adhesion G protein-coupled receptor V1; plus strand). Cytogenetic location: 5q14.3.
Variant type: Duplication.
Coding change: c.3954dup on transcript NM_032119.4 (MANE Select); coding-DNA position 3954, one base duplicated (G; older notation c.3954dupG).
Protein change: p.Arg1319fs; shifts the reading frame from arginine 1319.
Molecular consequence: frameshift variant. On other transcripts: non-coding transcript variant (1).
Genome position (GRCh38, 1-based): chr5:90,653,528, G duplicated. VCF-style (leftmost placement, unchanged base first): chr5-90653527-T-TG. GRCh37 (hg19) VCF-style: chr5-89949344-T-TG.
Other names: short protein forms R1319fs.
Identifiers: ClinVar variation 2825473 (VCV002825473.3), dbSNP rs2532088101, ClinGen allele CA2739274874.

ClinVar aggregate classification (germline): Pathogenic (1 of 4 stars; one submission).

Submission:

Labcorp Genetics (formerly Invitae), Labcorp
Classification: Pathogenic. Last evaluated: 2023-03-18. Review status: criteria provided, single submitter. Criteria: Invitae Variant Classification Sherloc (09022015). Collection method: clinical testing. Allele origin: germline.
Comment: This sequence change creates a premature translational stop signal (p.Arg1319Alafs*23) in the ADGRV1 gene. It is expected to result in an absent or disrupted protein product. Loss-of-function variants in ADGRV1 are known to be pathogenic (PMID: 19357117, 22135276, 22147658, 26226137, 30718709, 31047384, 32467589). This variant is not present in population databases (gnomAD no frequency). This variant has not been reported in the literature in individuals affected with ADGRV1-related conditions. For these reasons, this variant has been classified as Pathogenic.

Literature cited by the submitters: PubMed 19357117; PubMed 22135276; PubMed 22147658; PubMed 26226137; PubMed 30718709; PubMed 31047384; PubMed 32467589.